The following is an entry in ClinVar:

ClinVar aggregate classification (germline): Uncertain significance (1 of 4 stars; one submission).

Allele frequency attached by ClinVar (database versions not stated): gnomAD exomes below 0.00001 and 0.00001.
gnomAD v4.1: 8 of 1,614,036 alleles (0.0005%); highest among the groups gnomAD compares: Non-Finnish European, 0.00059%; no homozygotes.

Submission:

Labcorp Genetics (formerly Invitae), Labcorp
Classification: Uncertain significance. Last evaluated: 2021-10-28. Review status: criteria provided, single submitter. Criteria: Invitae Variant Classification Sherloc (09022015). Collection method: clinical testing. Allele origin: germline.
Comment: This sequence change replaces alanine, which is neutral and non-polar, with threonine, which is neutral and polar, at codon 104 of the SCP2 protein (p.Ala104Thr). This variant is present in population databases (no rsID available, gnomAD 0.0009%). This variant has not been reported in the literature in individuals affected with SCP2-related conditions. Algorithms developed to predict the effect of missense changes on protein structure and function are either unavailable or do not agree on the potential impact of this missense change (SIFT: "Deleterious"; PolyPhen-2: "Possibly Damaging"; Align-GVGD: "Class C0"). In summary, the available evidence is currently insufficient to determine the role of this variant in disease. Therefore, it has been classified as a Variant of Uncertain Significance.

NM_002979.5(SCP2):c.310G>A (p.Ala104Thr)

Gene: SCP2 (sterol carrier protein 2; plus strand). Cytogenetic location: 1p32.3.
Variant type: single nucleotide variant.
Coding change: c.310G>A on transcript NM_002979.5 (MANE Select); coding-DNA position 310, G replaced by A.
Protein change: p.Ala104Thr; replaces alanine 104 with threonine.
Molecular consequence: missense variant. On other transcripts: intron variant (2).
Genome position (GRCh38, 1-based): chr1:52,950,865, G>A. VCF-style: chr1-52950865-G-A. GRCh37 (hg19) VCF-style: chr1-53416537-G-A.
Other names: c.238G>A, p.Ala80Thr (NM_001193599.2); c.67G>A, p.Ala23Thr (NM_001193617.2); c.310G>A, p.Ala104Thr (NM_001330587.2); c.199+2785G>A (NM_001193600.2, NM_001007098.3); short protein forms A104T, A80T, A23T.
Identifiers: ClinVar variation 1490403 (VCV001490403.3), dbSNP rs1311075687, ClinGen allele CA340386997.
Genomic context (GRCh38, chr1:52,950,865, plus strand): 5'-GGAATTCCTATAATCAATGTCAACAATAACTGTGCTACTGGTTCTACTGCTTTGTTTATG[G>A]CCCGCCAGCTGATTCAGGGTGGTAAGGAGTGCTTGTCTAGTGTACTTAAATATTGCCCCA-3'
Protein context (NP_002970.2, residues 94-114): CATGSTALFM[Ala104Thr]RQLIQGGVAE